The following is an entry in ClinVar:

NM_001365951.3(KIF1B):c.5111A>T (p.Lys1704Met)

Gene: KIF1B (kinesin family member 1B; plus strand). Cytogenetic location: 1p36.22.
Variant type: single nucleotide variant.
Coding change: c.5111A>T on transcript NM_001365951.3 (MANE Select); coding-DNA position 5111, A replaced by T.
Protein change: p.Lys1704Met; replaces lysine 1704 with methionine.
Molecular consequence: missense variant.
Genome position (GRCh38, 1-based): chr1:10,374,868, A>T. VCF-style: chr1-10374868-A-T. GRCh37 (hg19) VCF-style: chr1-10434926-A-T.
Other names: c.5111A>T, p.Lys1704Met (NM_001365952.1); c.4973A>T, p.Lys1658Met (NM_015074.3); short protein forms K1658M, K1704M.
Identifiers: ClinVar variation 3226529 (VCV003226529.1), dbSNP rs2521982234, ClinGen allele CA338330177.

ClinVar aggregate classification (germline): Uncertain significance (1 of 4 stars; one submission).

Submission:

Ambry Genetics
Classification: Uncertain significance. Last evaluated: 2023-10-29. Review status: criteria provided, single submitter. Criteria: Ambry Variant Classification Scheme 2023. Collection method: clinical testing. Allele origin: germline.
Comment: The p.K1658M variant (also known as c.4973A>T), located in coding exon 44 of the KIF1B gene, results from an A to T substitution at nucleotide position 4973. The lysine at codon 1658 is replaced by methionine, an amino acid with similar properties. This amino acid position is conserved. In addition, the in silico prediction for this alteration is inconclusive. Since supporting evidence is limited at this time, the clinical significance of this alteration remains unclear.